The following is an entry in ClinVar:

ClinVar aggregate classification (germline): Uncertain significance (1 of 4 stars; one submission).

Submission:

Labcorp Genetics (formerly Invitae), Labcorp
Classification: Uncertain significance. Last evaluated: 2022-05-27. Review status: criteria provided, single submitter. Criteria: Invitae Variant Classification Sherloc (09022015). Collection method: clinical testing. Allele origin: germline.
Comment: This sequence change replaces glutamine, which is neutral and polar, with lysine, which is basic and polar, at codon 140 of the C17orf62 protein (p.Gln140Lys). In summary, the available evidence is currently insufficient to determine the role of this variant in disease. Therefore, it has been classified as a Variant of Uncertain Significance. Algorithms developed to predict the effect of missense changes on protein structure and function (SIFT, PolyPhen-2, Align-GVGD) all suggest that this variant is likely to be disruptive. This variant has not been reported in the literature in individuals affected with C17orf62-related conditions. This variant is not present in population databases (gnomAD no frequency).

NM_001033046.4(CYBC1):c.418C>A (p.Gln140Lys)

Gene: CYBC1 (cytochrome b-245 chaperone 1; minus strand). Cytogenetic location: 17q25.3.
Variant type: single nucleotide variant.
Coding change: c.418C>A on transcript NM_001033046.4 (MANE Select); coding-DNA position 418, C replaced by A.
Protein change: p.Gln140Lys; replaces glutamine 140 with lysine.
Molecular consequence: missense variant. On other transcripts: non-coding transcript variant (4).
Genome position (GRCh38, 1-based): chr17:82,444,472, G>T on the plus strand (C>A on the coding strand, the complement: CYBC1 is on the minus strand). VCF-style: chr17-82444472-G-T. GRCh37 (hg19) VCF-style: chr17-80402348-G-T.
Other names: c.418C>A, p.Gln140Lys (NM_001100407.3, NM_001193653.2, NM_001193654.2 and 2 more transcripts); c.376C>A, p.Gln126Lys (NM_001100408.3); short protein forms Q126K, Q140K.
Identifiers: ClinVar variation 2116644 (VCV002116644.4), dbSNP rs2510048000, ClinGen allele CA401608281.